The following is an entry in ClinVar:

NM_021939.4(FKBP10):c.976del (p.Met326fs)

Gene: FKBP10 (FKBP prolyl isomerase 10; plus strand). Cytogenetic location: 17q21.2.
Variant type: Deletion.
Coding change: c.976del on transcript NM_021939.4 (MANE Select); coding-DNA position 976, one base deleted (A; older notation c.976delA).
Protein change: p.Met326fs; shifts the reading frame from methionine 326.
Molecular consequence: frameshift variant.
Genome position (GRCh38, 1-based): chr17:41,819,588, A deleted. VCF-style (leftmost placement, unchanged base first): chr17-41819587-GA-G. GRCh37 (hg19) VCF-style: chr17-39975839-GA-G.
Other names: c.976delA (NM_021939.3); short protein forms M326fs.
Identifiers: ClinVar variation 222952 (VCV000222952.10), dbSNP rs869025223, ClinGen allele CA358388.

ClinVar aggregate classification (germline): Pathogenic/Likely pathogenic. Review status: criteria provided, multiple submitters, no conflicts (2 of 4 stars). 3 submissions from 3 submitters: Pathogenic (1); Likely pathogenic (1). 1 of the submissions does not count toward it. Last evaluated 2023-03-21.

Conditions:
FKBP10-related disorders.
Osteogenesis imperfecta type 11. Also called: OI, TYPE XI; Osteogenesis imperfecta, type XI. Identifiers: Orphanet 666, MedGen C3151218, MONDO:0012592, OMIM 610968.

Allele frequency attached by ClinVar (database versions not stated): gnomAD exomes below 0.00001.

Submissions (3):

Labcorp Genetics (formerly Invitae), Labcorp
Classification: Pathogenic. Last evaluated: 2023-03-21. Review status: criteria provided, single submitter. Criteria: Invitae Variant Classification Sherloc (09022015). Collection method: clinical testing. Allele origin: germline.
Comment: For these reasons, this variant has been classified as Pathogenic. Algorithms developed to predict the effect of sequence changes on RNA splicing suggest that this variant may disrupt the consensus splice site. ClinVar contains an entry for this variant (Variation ID: 222952). This premature translational stop signal has been observed in individual(s) with osteogenesis imperfecta (PMID: 27362741). This variant is not present in population databases (gnomAD no frequency). This sequence change creates a premature translational stop signal (p.Met326Trpfs*39) in the FKBP10 gene. It is expected to result in an absent or disrupted protein product. Loss-of-function variants in FKBP10 are known to be pathogenic (PMID: 22689593, 22949511).

Blueprint Genetics
Classification: Likely pathogenic for FKBP10-related disorders. Last evaluated: 2019-11-01. Review status: criteria provided, single submitter. Criteria: ACMG Guidelines, 2015. Collection method: clinical testing. Allele origin: germline. Affected: yes. Observed: 1 variant allele.

Genomic Research Center, Shahid Beheshti University of Medical Sciences
Classification: Pathogenic for Osteogenesis imperfecta type 11. Last evaluated: 2016-08-25. Review status: no assertion criteria provided. Collection method: clinical testing. Allele origin: inherited. Affected: yes. Observed: 1 variant allele. Study: Novel FKBP10 mutation in a patient with Osteogenesis Imperfecta type XI: Case report. Not counted in ClinVar's aggregate classification.

Literature cited by the submitters: PubMed 27362741 (cited by Labcorp Genetics (formerly Invitae), Labcorp and Genomic Research Center, Shahid Beheshti University of Medical Sciences); PubMed 22689593 (cited by Labcorp Genetics (formerly Invitae), Labcorp); PubMed 22949511 (cited by Labcorp Genetics (formerly Invitae), Labcorp).